The following is an entry in ClinVar:

NM_031407.7(HUWE1):c.2173G>A (p.Ala725Thr)

Gene: HUWE1 (HECT, UBA and WWE domain containing E3 ubiquitin protein ligase 1; minus strand). Cytogenetic location: Xp11.22.
Variant type: single nucleotide variant.
Coding change: c.2173G>A on transcript NM_031407.7 (MANE Select); coding-DNA position 2173, G replaced by A.
Protein change: p.Ala725Thr; replaces alanine 725 with threonine.
Molecular consequence: missense variant.
Genome position (GRCh38, 1-based): chrX:53,614,622, C>T on the plus strand (G>A on the coding strand, the complement: HUWE1 is on the minus strand). VCF-style: chrX-53614622-C-T. GRCh37 (hg19) VCF-style: chrX-53641583-C-T.
Other names: short protein forms A725T.
Identifiers: ClinVar variation 2660630 (VCV002660630.24), dbSNP rs2065692173, ClinGen allele CA413144843.

ClinVar aggregate classification (germline): Uncertain significance (1 of 4 stars; one submission).

Submission:

CeGaT Center for Human Genetics Tuebingen
Classification: Uncertain significance. Last evaluated: 2022-10-01. Review status: criteria provided, single submitter. Criteria: CeGaT Center For Human Genetics Tuebingen Variant Classification Criteria Version 2. Collection method: clinical testing. Allele origin: germline. Affected: yes. Observed: 1 variant allele.
Comment: HUWE1: PM2, PP2